The following is an entry in ClinVar:

ClinVar aggregate classification (germline): Pathogenic (1 of 4 stars; one submission).

Conditions:
Deficiency of UDPglucose-hexose-1-phosphate uridylyltransferase. Also called: Transferase Deficiency Galactosemia; GALT deficiency; Galactosemia, classic; GALACTOSE-1-PHOSPHATE URIDYLYLTRANSFERASE DEFICIENCY; GALACTOSEMIA I. Identifiers: Orphanet 352, Orphanet 79239, MedGen C0268151, MONDO:0009258, OMIM 230400.

Submission:

Labcorp Genetics (formerly Invitae), Labcorp
Classification: Pathogenic for Deficiency of UDPglucose-hexose-1-phosphate uridylyltransferase. Last evaluated: 2020-06-20. Review status: criteria provided, single submitter. Criteria: Invitae Variant Classification Sherloc (09022015). Collection method: clinical testing. Allele origin: germline.
Comment: For these reasons, this variant has been classified as Pathogenic. This variant disrupts the C-terminus of the GALT protein. Other variant(s) that disrupt this region (p.Thr350Profs*9) have been determined to be pathogenic (Invitae). This suggests that variants that disrupt this region of the protein are likely to be causative of disease. This sequence change results in a premature translational stop signal in the GALT gene (p.Gln344*). While this is not anticipated to result in nonsense mediated decay, it is expected to disrupt the last 36 amino acids of the GALT protein. This variant has been observed in individual(s) with galactosemia (PMID: 22944367). ClinVar contains an entry for this variant (Variation ID: 834891). This variant is not present in population databases (ExAC no frequency).

Literature cited by the submitters: PubMed 22944367.

NM_000155.4(GALT):c.1030C>T (p.Gln344Ter)

Gene: GALT (galactose-1-phosphate uridylyltransferase; plus strand). Cytogenetic location: 9p13.3.
Variant type: single nucleotide variant.
Coding change: c.1030C>T on transcript NM_000155.4 (MANE Select); coding-DNA position 1030, C replaced by T.
Protein change: p.Gln344Ter; replaces glutamine 344 with a stop codon.
Molecular consequence: nonsense.
Genome position (GRCh38, 1-based): chr9:34,649,535, C>T. VCF-style: chr9-34649535-C-T. GRCh37 (hg19) VCF-style: chr9-34649532-C-T.
Other names: c.703C>T, p.Gln235Ter (NM_001258332.2); short protein forms Q235*, Q344*.
Identifiers: ClinVar variation 834891 (VCV000834891.10), dbSNP rs111033814, ClinGen allele CA373285217.